The following is an entry in ClinVar:

NM_000143.4(FH):c.616G>A (p.Val206Ile)

Gene: FH (fumarate hydratase; minus strand). Cytogenetic location: 1q43.
Variant type: single nucleotide variant.
Coding change: c.616G>A on transcript NM_000143.4 (MANE Select); coding-DNA position 616, G replaced by A.
Protein change: p.Val206Ile; replaces valine 206 with isoleucine.
Molecular consequence: missense variant.
Genome position (GRCh38, 1-based): chr1:241,508,725, C>T on the plus strand (G>A on the coding strand, the complement: FH is on the minus strand). VCF-style: chr1-241508725-C-T. GRCh37 (hg19) VCF-style: chr1-241672025-C-T.
Other names: short protein forms V206I.
Identifiers: ClinVar variation 405938 (VCV000405938.28), dbSNP rs763183520, ClinGen allele CA1478645.

ClinVar aggregate classification (germline): Conflicting classifications of pathogenicity. Review status: criteria provided, conflicting classifications (1 of 4 stars). 7 submissions from 7 submitters: Uncertain significance (5); Likely benign (1). 1 of the submissions does not count toward it. Last evaluated 2026-07-17.

Conditions:
FH-related disorder. Also called: FH-related condition; FH-related disorders.
Hereditary leiomyomatosis and renal cell cancer. Also called: FH tumor predisposition syndrome; LEIOMYOMA, MULTIPLE CUTANEOUS; MULTIPLE CUTANEOUS AND UTERINE LEIOMYOMATA 1, WITH OR WITHOUT RENAL CELL CARCINOMA; Reed syndrome; Multiple cutaneous and uterine leiomyomatosis; Cutaneous leiomyomata with uterine leiomyomata. Identifiers: Orphanet 523, MedGen C1708350, MONDO:0007888, OMIM 150800, HP:0007437. Disease mechanism: loss of function.
Fumarase deficiency (FMRD). Also called: Fumaric aciduria; Fumarate Hydratase Deficiency. Identifiers: Orphanet 24, MedGen C0342770, MONDO:0011730, OMIM 606812.
Hereditary cancer-predisposing syndrome. Also called: Neoplastic Syndromes, Hereditary; Tumor predisposition; Hereditary Cancer Syndrome; Hereditary neoplastic syndrome. Identifiers: Orphanet 140162, MedGen C0027672, MeSH D009386, MONDO:0015356.

Allele frequency attached by ClinVar (database versions not stated): gnomAD exomes 0.00001 and 0.00003; ExAC 0.00002; gnomAD 0.00003; TOPMed 0.00003.

Submissions (7):

PreventionGenetics, part of Exact Sciences
Classification: Uncertain significance for FH-related condition. Last evaluated: 2026-07-17. Review status: criteria provided, single submitter. Criteria: ACMG Guidelines, 2015. Collection method: clinical testing. Allele origin: germline.
Comment: The FH c.616G>A variant is predicted to result in the amino acid substitution p.Val206Ile. To our knowledge, this variant has not been reported in the literature. This variant is reported in 0.0031% of alleles in individuals of European (Non-Finnish) descent in gnomAD and is interpreted as uncertain and likely benign in ClinVar (Variation ID: 405938). At this time, the clinical significance of this variant is uncertain due to the absence of conclusive functional and genetic evidence.

Labcorp Genetics (formerly Invitae), Labcorp
Classification: Uncertain significance. Last evaluated: 2025-10-07. Review status: criteria provided, single submitter. Criteria: Invitae Variant Classification Sherloc (09022015). Collection method: clinical testing. Allele origin: germline.
Comment: This sequence change replaces valine, which is neutral and non-polar, with isoleucine, which is neutral and non-polar, at codon 206 of the FH protein (p.Val206Ile). This variant is present in population databases (rs763183520, gnomAD 0.004%). This variant has not been reported in the literature in individuals affected with FH-related conditions. ClinVar contains an entry for this variant (Variation ID: 405938). Invitae Evidence Modeling of protein sequence and biophysical properties (such as structural, functional, and spatial information, amino acid conservation, physicochemical variation, residue mobility, and thermodynamic stability) has been performed for this missense variant. However, the output from this modeling did not meet the statistical confidence thresholds required to predict the impact of this variant on FH protein function. In summary, the available evidence is currently insufficient to determine the role of this variant in disease. Therefore, it has been classified as a Variant of Uncertain Significance.

Ambry Genetics
Classification: Likely benign for Hereditary cancer-predisposing syndrome. Last evaluated: 2025-09-12. Review status: criteria provided, single submitter. Criteria: Ambry Variant Classification Scheme 2023. Collection method: clinical testing. Allele origin: germline.

GeneDx
Classification: Uncertain significance. Last evaluated: 2024-04-20. Review status: criteria provided, single submitter. Criteria: GeneDx Variant Classification Process June 2021. Collection method: clinical testing. Allele origin: germline. Affected: yes.
Comment: Not observed at significant frequency in large population cohorts (gnomAD); In silico analysis indicates that this missense variant does not alter protein structure/function; Has not been previously published as pathogenic or benign to our knowledge

Fulgent Genetics
Classification: Uncertain significance for Hereditary leiomyomatosis and renal cell cancer; Fumarase deficiency. Last evaluated: 2024-04-15. Review status: criteria provided, single submitter. Criteria: ACMG Guidelines, 2015. Collection method: clinical testing. Allele origin: germline.

Baylor Genetics
Classification: Uncertain significance for Fumarase deficiency. Last evaluated: 2024-02-26. Review status: criteria provided, single submitter. Criteria: ACMG Guidelines, 2015. Collection method: clinical testing. Allele origin: unknown.

Natera, Inc.
Classification: Uncertain significance for Fumarase deficiency. Last evaluated: 2019-10-28. Review status: no assertion criteria provided. Collection method: clinical testing. Allele origin: germline. Not counted in ClinVar's aggregate classification.